The following is an entry in ClinVar:

ClinVar aggregate classification (germline): Pathogenic (1 of 4 stars; one submission).

Conditions:
Mowat-Wilson syndrome (MOWS). Also called: Classic Mowat-Wilson Syndrome. Identifiers: Orphanet 2152, MedGen C1856113, MONDO:0009341, OMIM 235730.

Submission:

Labcorp Genetics (formerly Invitae), Labcorp
Classification: Pathogenic for Mowat-Wilson syndrome. Last evaluated: 2023-11-24. Review status: criteria provided, single submitter. Criteria: Invitae Variant Classification Sherloc (09022015). Collection method: clinical testing. Allele origin: germline.
Comment: This sequence change creates a premature translational stop signal (p.Leu844*) in the ZEB2 gene. It is expected to result in an absent or disrupted protein product. Loss-of-function variants in ZEB2 are known to be pathogenic (PMID: 16053902). This variant is not present in population databases (gnomAD no frequency). This premature translational stop signal has been observed in individual(s) with Mowat-Wilson syndrome (PMID: 17203459). For these reasons, this variant has been classified as Pathogenic.

Literature cited by the submitters: PubMed 16053902; PubMed 17203459.

NM_014795.4(ZEB2):c.2531T>G (p.Leu844Ter)

Gene: ZEB2 (zinc finger E-box binding homeobox 2; minus strand). Cytogenetic location: 2q22.3.
Variant type: single nucleotide variant.
Coding change: c.2531T>G on transcript NM_014795.4 (MANE Select); coding-DNA position 2531, T replaced by G.
Protein change: p.Leu844Ter; replaces leucine 844 with a stop codon.
Molecular consequence: nonsense.
Genome position (GRCh38, 1-based): chr2:144,398,656, A>C on the plus strand (T>G on the coding strand, the complement: ZEB2 is on the minus strand). VCF-style: chr2-144398656-A-C. GRCh37 (hg19) VCF-style: chr2-145156223-A-C.
Other names: c.2459T>G, p.Leu820Ter (NM_001171653.2); short protein forms L820*, L844*.
Identifiers: ClinVar variation 2734278 (VCV002734278.3), dbSNP rs2549105879, ClinGen allele CA348708067.
Genomic context (GRCh38, chr2:144,398,656, plus strand): 5'-AAAGTCAAGTTCAGAGGCTCATCTGAGTTTTCAGATGAGGAAGAAACACTGTTATGATCT[A>C]AACTGATGCTACTAGCTTTTGTTTTGTTCTTTGTGGCTATAATACTTTTGGGTTCTTTCA-3'